The following is an entry in ClinVar:

NM_001876.4(CPT1A):c.281C>T (p.Ala94Val)

Gene: CPT1A (carnitine palmitoyltransferase 1A; minus strand). Cytogenetic location: 11q13.3.
Variant type: single nucleotide variant.
Coding change: c.281C>T on transcript NM_001876.4 (MANE Select); coding-DNA position 281, C replaced by T.
Protein change: p.Ala94Val; replaces alanine 94 with valine.
Molecular consequence: missense variant.
Genome position (GRCh38, 1-based): chr11:68,812,437, G>A on the plus strand (C>T on the coding strand, the complement: CPT1A is on the minus strand). VCF-style: chr11-68812437-G-A. GRCh37 (hg19) VCF-style: chr11-68579905-G-A.
Other names: c.281C>T, p.Ala94Val (NM_001031847.3); short protein forms A94V.
Identifiers: ClinVar variation 2157873 (VCV002157873.1), dbSNP rs752187315, ClinGen allele CA6152730.

ClinVar aggregate classification (germline): Uncertain significance (1 of 4 stars; one submission).

Conditions:
Carnitine palmitoyl transferase 1A deficiency. Also called: Carnitine palmitoyltransferase type I deficiency; CPT deficiency, hepatic, type IA; Carnitine palmitoyltransferase 1A deficiency; CPT I DEFICIENCY; CPT DEFICIENCY, HEPATIC, TYPE I. Identifiers: Orphanet 156, MedGen C1829703, MONDO:0009705, OMIM 255120.

Allele frequency attached by ClinVar (database versions not stated): gnomAD exomes below 0.00001; gnomAD 0.00001; TOPMed 0.00001; ExAC 0.00002.

Submission:

Labcorp Genetics (formerly Invitae), Labcorp
Classification: Uncertain significance for Carnitine palmitoyl transferase 1A deficiency. Last evaluated: 2022-04-30. Review status: criteria provided, single submitter. Criteria: Invitae Variant Classification Sherloc (09022015). Collection method: clinical testing. Allele origin: germline.
Comment: This sequence change replaces alanine, which is neutral and non-polar, with valine, which is neutral and non-polar, at codon 94 of the CPT1A protein (p.Ala94Val). This variant is present in population databases (rs752187315, gnomAD 0.009%). This variant has not been reported in the literature in individuals affected with CPT1A-related conditions. Algorithms developed to predict the effect of missense changes on protein structure and function (SIFT, PolyPhen-2, Align-GVGD) all suggest that this variant is likely to be tolerated. In summary, the available evidence is currently insufficient to determine the role of this variant in disease. Therefore, it has been classified as a Variant of Uncertain Significance.